The following is an entry in ClinVar:

ClinVar aggregate classification (germline): Benign/Likely benign. Review status: criteria provided, multiple submitters, no conflicts (2 of 4 stars). 4 submissions from 4 submitters: Benign (1); Likely benign (3). Last evaluated 2026-06-24.

Conditions:
Hereditary cancer-predisposing syndrome. Also called: Neoplastic Syndromes, Hereditary; Tumor predisposition; Hereditary Cancer Syndrome; Hereditary neoplastic syndrome. Identifiers: Orphanet 140162, MedGen C0027672, MeSH D009386, MONDO:0015356.
Retinoblastoma (RB1). Also called: RETINOBLASTOMA, SOMATIC. Identifiers: Orphanet 790, MedGen C0035335, MeSH D012175, MONDO:0008380, OMIM 180200, HP:0009919. Disease mechanism: loss of function. Inheritance: Both sporadic and heritable forms are tested..

Allele frequency attached by ClinVar (database versions not stated): gnomAD exomes below 0.00001.
gnomAD v4.1: 2 of 1,607,856 alleles (0.00012%); highest among the groups gnomAD compares: East Asian, 0.0022%; no homozygotes.

Submissions (4):

Myriad Genetics, Inc.
Classification: Benign for Retinoblastoma. Last evaluated: 2026-06-24. Review status: criteria provided, single submitter. Criteria: Myriad Autosomal Dominant, Autosomal Recessive and X-Linked Classification Criteria (2023). Collection method: clinical testing. Allele origin: unknown.
Comment: This variant is considered benign. This variant is a silent/synonymous amino acid change and it is not expected to impact splicing.

Labcorp Genetics (formerly Invitae), Labcorp
Classification: Likely benign for Retinoblastoma. Last evaluated: 2024-11-27. Review status: criteria provided, single submitter. Criteria: Invitae Variant Classification Sherloc (09022015). Collection method: clinical testing. Allele origin: germline.

All of Us Research Program, National Institutes of Health
Classification: Likely benign for Retinoblastoma. Last evaluated: 2024-07-10. Review status: criteria provided, single submitter. Criteria: ACMG Guidelines, 2015. Collection method: clinical testing. Allele origin: germline. Inheritance: Autosomal dominant inheritance. Observed: 1 variant allele, 1 heterozygote.
Comment: This study involves interpretation of variants in research participants for the purpose of population health screening. Participant phenotype was not available at the time of variant classification. Additional details can be found in publication PMID: 35346344, PMCID: PMC8962531

Ambry Genetics
Classification: Likely benign for Hereditary cancer-predisposing syndrome. Last evaluated: 2021-02-18. Review status: criteria provided, single submitter. Criteria: Ambry Variant Classification Scheme 2023. Collection method: clinical testing. Allele origin: germline.

NM_000321.3(RB1):c.1470T>G (p.Ala490=)

Gene: RB1 (RB transcriptional corepressor 1; plus strand). Cytogenetic location: 13q14.2.
Variant type: single nucleotide variant.
Coding change: c.1470T>G on transcript NM_000321.3 (MANE Select); coding-DNA position 1470, T replaced by G.
Protein change: p.Ala490=; no amino-acid change (alanine 490 retained).
Molecular consequence: synonymous variant.
Genome position (GRCh38, 1-based): chr13:48,380,213, T>G. VCF-style: chr13-48380213-T-G. GRCh37 (hg19) VCF-style: chr13-48954349-T-G.
Identifiers: ClinVar variation 1558871 (VCV001558871.12), dbSNP rs1213010309, ClinGen allele CA483559292.